The following is an entry in ClinVar:

ClinVar aggregate classification (germline): Likely pathogenic (1 of 4 stars; one submission).

Allele frequency attached by ClinVar (database versions not stated): gnomAD exomes below 0.00001; ExAC 0.00001.
gnomAD v4.1: 1 of 1,614,096 alleles (0.000062%); highest among the groups gnomAD compares: Admixed American, 0.0017%; no homozygotes.

Submission:

Labcorp Genetics (formerly Invitae), Labcorp
Classification: Likely pathogenic. Last evaluated: 2022-12-15. Review status: criteria provided, single submitter. Criteria: Invitae Variant Classification Sherloc (09022015). Collection method: clinical testing. Allele origin: germline.
Comment: In summary, the currently available evidence indicates that the variant is pathogenic, but additional data are needed to prove that conclusively. Therefore, this variant has been classified as Likely Pathogenic. Algorithms developed to predict the effect of sequence changes on RNA splicing suggest that this variant may disrupt the consensus splice site. This variant has not been reported in the literature in individuals affected with LAMC2-related conditions. This variant is present in population databases (rs748379353, gnomAD 0.003%). This sequence change affects a donor splice site in intron 17 of the LAMC2 gene. It is expected to disrupt RNA splicing. Variants that disrupt the donor or acceptor splice site typically lead to a loss of protein function (PMID: 16199547), and loss-of-function variants in LAMC2 are known to be pathogenic (PMID: 11907499, 16473856).

Literature cited by the submitters: PubMed 16199547; PubMed 11907499; PubMed 16473856.

NM_005562.3(LAMC2):c.2601+1G>C

Gene: LAMC2 (laminin subunit gamma 2; plus strand). Cytogenetic location: 1q25.3.
Variant type: single nucleotide variant.
Coding change: c.2601+1G>C on transcript NM_005562.3 (MANE Select); the canonical splice donor site of the intron after coding-DNA position 2601, G replaced by C.
Molecular consequence: splice donor variant.
Genome position (GRCh38, 1-based): chr1:183,236,605, G>C. VCF-style: chr1-183236605-G-C. GRCh37 (hg19) VCF-style: chr1-183205740-G-C.
Other names: c.2601+1G>C (NM_018891.3).
Identifiers: ClinVar variation 3009087 (VCV003009087.3), dbSNP rs748379353, ClinGen allele CA1282995.